The following is an entry in ClinVar:

ClinVar aggregate classification (germline): Uncertain significance. Review status: criteria provided, multiple submitters, no conflicts (2 of 4 stars). 2 submissions from 2 submitters: Uncertain significance (2). Last evaluated 2024-09-29.

Conditions:
Epidermolysis bullosa simplex 5B, with muscular dystrophy (EBS5B). Also called: EPIDERMOLYSIS BULLOSA SIMPLEX AND LIMB-GIRDLE MUSCULAR DYSTROPHY; Epidermolysis bullosa simplex with muscular dystrophy. Identifiers: Orphanet 257, MedGen C2931072, MONDO:0009181, OMIM 226670.
Epidermolysis bullosa simplex 5C, with pyloric atresia (EBS5C). Also called: Epidermolysis bullosa simplex with pyloric atresia; PLEC-Related Epidermolysis Bullosa with Pyloric Atresia; PLEC1-Related Epidermolysis Bullosa with Pyloric Atresia. Identifiers: Orphanet 158684, MedGen C2677349, MONDO:0012807, OMIM 612138.
Autosomal recessive limb-girdle muscular dystrophy type 2Q (LGMDR17). Also called: MUSCULAR DYSTROPHY, LIMB-GIRDLE, AUTOSOMAL RECESSIVE 17. Identifiers: Orphanet 254361, MedGen C3150989, MONDO:0013390, OMIM 613723.
Epidermolysis bullosa simplex with nail dystrophy (EBS5D). Identifiers: MedGen C4225309, MONDO:0014661, OMIM 616487.
Epidermolysis bullosa simplex, Ogna type (EBS5A). Also called: Pidermolysis bullosa simplex 5A, Ogna type; EPIDERMOLYSIS BULLOSA SIMPLEX 5A, OGNA TYPE. Identifiers: Orphanet 79401, MedGen C0432317, MONDO:0007555, OMIM 131950.
Inborn genetic diseases. Identifiers: MedGen C0950123, MeSH D030342.

Allele frequency attached by ClinVar (database versions not stated): gnomAD exomes below 0.00001 and 0.00001; gnomAD 0.00001; TOPMed 0.00001.
gnomAD v4.1: 14 of 1,590,410 alleles (0.00088%); highest among the groups gnomAD compares: East Asian, 0.0091%; no homozygotes.

Submissions (2):

Labcorp Genetics (formerly Invitae), Labcorp
Classification: Uncertain significance for Autosomal recessive limb-girdle muscular dystrophy type 2Q; Epidermolysis bullosa simplex, Ogna type; Epidermolysis bullosa simplex with nail dystrophy; Epidermolysis bullosa simplex 5C, with pyloric atresia; Epidermolysis bullosa simplex 5B, with muscular dystrophy. Last evaluated: 2024-09-29. Review status: criteria provided, single submitter. Criteria: Invitae Variant Classification Sherloc (09022015). Collection method: clinical testing. Allele origin: germline.
Comment: This sequence change replaces arginine, which is basic and polar, with cysteine, which is neutral and slightly polar, at codon 512 of the PLEC protein (p.Arg512Cys). The frequency data for this variant in the population databases is considered unreliable, as metrics indicate poor data quality at this position in the gnomAD database. This variant has not been reported in the literature in individuals affected with PLEC-related conditions. ClinVar contains an entry for this variant (Variation ID: 1045795). Experimental studies and prediction algorithms are not available or were not evaluated, and the functional significance of this variant is currently unknown. In summary, the available evidence is currently insufficient to determine the role of this variant in disease. Therefore, it has been classified as a Variant of Uncertain Significance.

Ambry Genetics
Classification: Uncertain significance for Inborn genetic diseases. Last evaluated: 2024-03-12. Review status: criteria provided, single submitter. Criteria: Ambry Variant Classification Scheme 2023. Collection method: clinical testing. Allele origin: germline.

NM_201384.3(PLEC):c.1453C>T (p.Arg485Cys)

Gene: PLEC (plectin; minus strand). Cytogenetic location: 8q24.3.
Variant type: single nucleotide variant.
Coding change: c.1453C>T on transcript NM_201384.3 (MANE Select); coding-DNA position 1453, C replaced by T.
Protein change: p.Arg485Cys; replaces arginine 485 with cysteine.
Molecular consequence: missense variant.
Genome position (GRCh38, 1-based): chr8:143,933,077, G>A on the plus strand (C>T on the coding strand, the complement: PLEC is on the minus strand). VCF-style: chr8-143933077-G-A. GRCh37 (hg19) VCF-style: chr8-145007245-G-A.
Other names: c.1534C>T (NM_000445.3); c.1534C>T, p.Arg512Cys (NM_000445.5); c.1411C>T, p.Arg471Cys (NM_201378.4); c.1387C>T, p.Arg463Cys (NM_201379.3); c.1864C>T, p.Arg622Cys (NM_201380.4); c.1357C>T, p.Arg453Cys (NM_201381.3); c.1453C>T, p.Arg485Cys (NM_201382.4); c.1465C>T, p.Arg489Cys (NM_201383.3); short protein forms R485C, R622C, R471C, R512C, R453C, R463C, R489C.
Identifiers: ClinVar variation 1045795 (VCV001045795.6), dbSNP rs1437842181, ClinGen allele CA372581565.